The following is an entry in ClinVar:

ClinVar aggregate classification (germline): Uncertain significance (1 of 4 stars; one submission).

Conditions:
Charcot-Marie-Tooth disease dominant intermediate F. Identifiers: Orphanet 352670, MedGen C4749463, MONDO:0014074, OMIM 615185.

Submission:

ARUP Laboratories, Molecular Genetics and Genomics, ARUP Laboratories
Classification: Uncertain significance for Charcot-Marie-Tooth disease dominant intermediate F. Last evaluated: 2023-11-06. Review status: criteria provided, single submitter. Criteria: ARUP Molecular Germline Variant Investigation Process 2024. Collection method: clinical testing. Allele origin: germline.
Comment: The GNB4 c.745_747delinsCCC; p.Thr249Pro variant, to our knowledge, is not reported in the medical literature or gene specific databases. This variant is also absent from general population databases (Exome Variant Server, Genome Aggregation Database), indicating it is not a common polymorphism. The threonine at codon 249 is highly conserved, and computational analyses (SIFT, PolyPhen-2) predict that this variant is deleterious. Due to limited information, the clinical significance of the p.Thr249Pro variant is uncertain at this time.

NM_021629.4(GNB4):c.745_747delinsCCC (p.Thr249Pro)

Gene: GNB4 (G protein subunit beta 4; minus strand). Cytogenetic location: 3q26.33.
Variant type: Indel.
Coding change: c.745_747delinsCCC on transcript NM_021629.4 (MANE Select); coding-DNA positions 745 to 747, ACT replaced by CCC.
Protein change: p.Thr249Pro; replaces threonine 249 with proline.
Molecular consequence: missense variant.
Genome position (GRCh38, 1-based): chr3:179,405,359-179,405,361, AGT replaced by GGG on the plus strand (ACT replaced by CCC on the coding strand, the reverse complement: GNB4 is on the minus strand). VCF-style: chr3-179405359-AGT-GGG. GRCh37 (hg19) VCF-style: chr3-179123147-AGT-GGG.
Other names: short protein forms T249P.
Identifiers: ClinVar variation 2920801 (VCV002920801.1), dbSNP rs2473882540, ClinGen allele CA2739279244.
Genomic context (GRCh38, chr3:179,405,359, plus strand): 5'-GATATTGTCATGAGAATACAATAATAACTCTTGATCTGCACGAAGGTCAAAGAGCCGGCA[AGT>GGG]GGCATCATCAGAGCCAGTGGCGAAGGCATATCCATTTGGGAAAAACTAGACAGGAAAGTA-3'
Protein context (NP_067642.1, residues 239-259): YAFATGSDDA[Thr249Pro]CRLFDLRADQ